The following is an entry in ClinVar:

NM_000321.3(RB1):c.2559T>C (p.Cys853=)

Gene: RB1 (RB transcriptional corepressor 1; plus strand). Cytogenetic location: 13q14.2.
Variant type: single nucleotide variant.
Coding change: c.2559T>C on transcript NM_000321.3 (MANE Select); coding-DNA position 2559, T replaced by C.
Protein change: p.Cys853=; no amino-acid change (cysteine 853 retained).
Molecular consequence: synonymous variant.
Genome position (GRCh38, 1-based): chr13:48,476,739, T>C. VCF-style: chr13-48476739-T-C. GRCh37 (hg19) VCF-style: chr13-49050875-T-C.
Identifiers: ClinVar variation 428729 (VCV000428729.16), dbSNP rs148327780, ClinGen allele CA036153.

ClinVar aggregate classification (germline): Benign/Likely benign. Review status: criteria provided, multiple submitters, no conflicts (2 of 4 stars). 4 submissions from 4 submitters: Benign (2); Likely benign (2). Last evaluated 2026-06-25.

Conditions:
Hereditary cancer-predisposing syndrome. Also called: Hereditary Cancer Syndrome; Neoplastic Syndromes, Hereditary; Hereditary neoplastic syndrome; Tumor predisposition. Identifiers: Orphanet 140162, MedGen C0027672, MeSH D009386, MONDO:0015356.
Retinoblastoma (RB1). Also called: RETINOBLASTOMA, SOMATIC. Identifiers: Orphanet 790, MedGen C0035335, MeSH D012175, MONDO:0008380, OMIM 180200, HP:0009919. Disease mechanism: loss of function. Inheritance: Both sporadic and heritable forms are tested..

Allele frequency attached by ClinVar (database versions not stated): ExAC 0.00002; gnomAD exomes 0.00002 and 0.00001; 1000 Genomes Project 30x 0.00031; gnomAD 0.00001; TOPMed 0.00002; 1000 Genomes Project 0.00020.
gnomAD v4.1: 8 of 1,613,516 alleles (0.0005%); highest among the groups gnomAD compares: Admixed American, 0.0083%; no homozygotes.

Submissions (4):

Myriad Genetics, Inc.
Classification: Benign for Retinoblastoma. Last evaluated: 2026-06-25. Review status: criteria provided, single submitter. Criteria: Myriad Autosomal Dominant, Autosomal Recessive and X-Linked Classification Criteria (2023). Collection method: clinical testing. Allele origin: unknown.
Comment: This variant is considered benign. This variant is a silent/synonymous amino acid change and it is not expected to impact splicing.

Labcorp Genetics (formerly Invitae), Labcorp
Classification: Likely benign for Retinoblastoma. Last evaluated: 2026-02-04. Review status: criteria provided, single submitter. Criteria: Invitae Variant Classification Sherloc (09022015). Collection method: clinical testing. Allele origin: germline.

All of Us Research Program, National Institutes of Health
Classification: Benign for Retinoblastoma. Last evaluated: 2024-02-05. Review status: criteria provided, single submitter. Criteria: ACMG Guidelines, 2015. Collection method: clinical testing. Allele origin: germline. Inheritance: Autosomal dominant inheritance. Observed: 7 variant alleles, 7 heterozygotes.
Comment: This study involves interpretation of variants in research participants for the purpose of population health screening. Participant phenotype was not available at the time of variant classification. Additional details can be found in publication PMID: 35346344, PMCID: PMC8962531

Ambry Genetics
Classification: Likely benign for Hereditary cancer-predisposing syndrome. Last evaluated: 2016-02-05. Review status: criteria provided, single submitter. Criteria: Ambry Variant Classification Scheme 2023. Collection method: clinical testing. Allele origin: germline.